The following is an entry in ClinVar:

NM_000051.4(ATM):c.5035G>A (p.Gly1679Ser)

Gene: ATM (ATM serine/threonine kinase; plus strand). Cytogenetic location: 11q22.3.
Variant type: single nucleotide variant.
Coding change: c.5035G>A on transcript NM_000051.4 (MANE Select); coding-DNA position 5035, G replaced by A.
Protein change: p.Gly1679Ser; replaces glycine 1679 with serine.
Molecular consequence: missense variant.
Genome position (GRCh38, 1-based): chr11:108,299,743, G>A. VCF-style: chr11-108299743-G-A. GRCh37 (hg19) VCF-style: chr11-108170470-G-A.
Other names: c.5035G>A, p.Gly1679Ser (NM_001351834.2); short protein forms G1679S.
Identifiers: ClinVar variation 2861918 (VCV002861918.4), dbSNP rs2135888807, ClinGen allele CA382540312.
Genomic context (GRCh38, chr11:108,299,743, plus strand): 5'-GACTCTACTGAAATAGAATTTCTATATGTAGAGGCTGTTGGAAGCTGCTTGGGAGAAGTG[G>A]GTCCTATAGATTTCTCTACCATAGCTATACAACATAGTAAAGATGCATCTTATACCAAGG-3'
Protein context (NP_000042.3, residues 1669-1689): EAVGSCLGEV[Gly1679Ser]PIDFSTIAIQ

ClinVar aggregate classification (germline): Uncertain significance. Review status: criteria provided, multiple submitters, no conflicts (2 of 4 stars). 2 submissions from 2 submitters: Uncertain significance (2). Last evaluated 2025-07-01.

Conditions:
Ataxia-telangiectasia syndrome (AT). Also called: AT, COMPLEMENTATION GROUP C; Ataxia telangiectasia (A-T); ATAXIA-TELANGIECTASIA, COMPLEMENTATION GROUP A; ATAXIA-TELANGIECTASIA, FRESNO VARIANT; Ataxia-telangiectasia, complementation group D; Ataxia-telangiectasia, complementation group E. Identifiers: Orphanet 100, MedGen C0004135, MONDO:0008840, OMIM 208900.
Hereditary cancer-predisposing syndrome. Also called: Hereditary neoplastic syndrome; Hereditary Cancer Syndrome; Neoplastic Syndromes, Hereditary; Tumor predisposition. Identifiers: Orphanet 140162, MedGen C0027672, MeSH D009386, MONDO:0015356.

Submissions (2):

Ambry Genetics
Classification: Uncertain significance for Hereditary cancer-predisposing syndrome. Last evaluated: 2025-07-01. Review status: criteria provided, single submitter. Criteria: Ambry Variant Classification Scheme 2023. Collection method: clinical testing. Allele origin: germline.
Comment: The p.G1679S variant (also known as c.5035G>A), located in coding exon 33 of the ATM gene, results from a G to A substitution at nucleotide position 5035. The glycine at codon 1679 is replaced by serine, an amino acid with similar properties. This amino acid position is conserved. In addition, this alteration is predicted to be deleterious by in silico analysis. Based on the available evidence, the clinical significance of this variant remains unclear.

Labcorp Genetics (formerly Invitae), Labcorp
Classification: Uncertain significance for Ataxia-telangiectasia syndrome. Last evaluated: 2023-12-18. Review status: criteria provided, single submitter. Criteria: Invitae Variant Classification Sherloc (09022015). Collection method: clinical testing. Allele origin: germline.
Comment: This sequence change replaces glycine, which is neutral and non-polar, with serine, which is neutral and polar, at codon 1679 of the ATM protein (p.Gly1679Ser). This variant is not present in population databases (gnomAD no frequency). This variant has not been reported in the literature in individuals affected with ATM-related conditions. An algorithm developed to predict the effect of missense changes on protein structure and function (PolyPhen-2) suggests that this variant is likely to be disruptive. In summary, the available evidence is currently insufficient to determine the role of this variant in disease. Therefore, it has been classified as a Variant of Uncertain Significance.